The following is an entry in ClinVar:

NM_000071.3(CBS):c.89A>G (p.Lys30Arg)

Gene: CBS (cystathionine beta-synthase; minus strand). Cytogenetic location: 21q22.3.
Variant type: single nucleotide variant.
Coding change: c.89A>G on transcript NM_000071.3 (MANE Select); coding-DNA position 89, A replaced by G.
Protein change: p.Lys30Arg; replaces lysine 30 with arginine.
Molecular consequence: missense variant.
Genome position (GRCh38, 1-based): chr21:43,072,105, T>C on the plus strand (A>G on the coding strand, the complement: CBS is on the minus strand). VCF-style: chr21-43072105-T-C. GRCh37 (hg19) VCF-style: chr21-44492215-T-C.
Other names: c.89A>G, p.Lys30Arg (NM_001178008.3, NM_001178009.3, NM_001320298.2); short protein forms K30R.
Identifiers: ClinVar variation 5017676 (VCV005017676.1).
Genomic context (GRCh38, chr21:43,072,105, plus strand): 5'-CTCGGAGCATCGGGCCGGATCCACAGGGGCTCCTTGGCTTCCTTATCCTCTGGGGACCCC[T>C]TCTCCAGGCTCCCCTTCGCCGAGTGTGGCCCTGAGCGGTGGGGGCAGCCTGTGGGCCCCA-3'
Protein context (NP_000062.1, residues 20-40): GPHSAKGSLE[Lys30Arg]GSPEDKEAKE

ClinVar aggregate classification (germline): Uncertain significance (1 of 4 stars; one submission).

Submission:

GeneDx
Classification: Uncertain significance. Last evaluated: 2026-03-27. Review status: criteria provided, single submitter. Criteria: GeneDx Variant Classification Process June 2021. Collection method: clinical testing. Allele origin: germline.
Comment: Not observed at significant frequency in large population cohorts (gnomAD); In silico analysis suggests that this missense variant does not alter protein structure/function; Has not been previously published as pathogenic or benign to our knowledge